The following is an entry in ClinVar:

NM_004525.3(LRP2):c.9257G>A (p.Arg3086His)

Gene: LRP2 (LDL receptor related protein 2; minus strand). Cytogenetic location: 2q31.1.
Variant type: single nucleotide variant.
Coding change: c.9257G>A on transcript NM_004525.3 (MANE Select); coding-DNA position 9257, G replaced by A.
Protein change: p.Arg3086His; replaces arginine 3086 with histidine.
Molecular consequence: missense variant.
Genome position (GRCh38, 1-based): chr2:169,188,041, C>T on the plus strand (G>A on the coding strand, the complement: LRP2 is on the minus strand). VCF-style: chr2-169188041-C-T. GRCh37 (hg19) VCF-style: chr2-170044551-C-T.
Other names: c.9257G>A (NM_004525.2); short protein forms R3086H.
Identifiers: ClinVar variation 1365063 (VCV001365063.5), dbSNP rs141866144, ClinGen allele CA1953630.
Genomic context (GRCh38, chr2:169,188,041, plus strand): 5'-TCATCGCTGTTGTCCAAACAGTCATCTAGGTGGTTGCAGAGTTTCATCATCTCGATGCAG[C>T]GCCCATTGTCACACTTGAACTCGTGAGGTGGACACGTGGGTTCTGGGGTGTGGCACAGGT-3'
Protein context (NP_004516.2, residues 3076-3096): PPHEFKCDNG[Arg3086His]CIEMMKLCNH

ClinVar aggregate classification (germline): Conflicting classifications of pathogenicity. Review status: criteria provided, conflicting classifications (1 of 4 stars). 3 submissions from 3 submitters: Uncertain significance (2); Likely benign (1). Last evaluated 2024-06-11.

Conditions:
Donnai-Barrow syndrome. Also called: DBS/FOAR SYNDROME; FACIOOCULOACOUSTICORENAL SYNDROME. Identifiers: Orphanet 2143, MedGen C1857277, MONDO:0009104, OMIM 222448.
Inborn genetic diseases. Identifiers: MedGen C0950123, MeSH D030342.

Allele frequency attached by ClinVar (database versions not stated): gnomAD 0.00001; gnomAD exomes 0.00001 and 0.00003; TOPMed 0.00001; ExAC 0.00004; ESP Exome Variant Server 0.00008.
gnomAD v4.1: 17 of 1,613,960 alleles (0.0011%); highest among the groups gnomAD compares: Middle Eastern, 0.016%; no homozygotes.

Submissions (3):

Fulgent Genetics
Classification: Uncertain significance for Donnai-Barrow syndrome. Last evaluated: 2024-06-11. Review status: criteria provided, single submitter. Criteria: ACMG Guidelines, 2015. Collection method: clinical testing. Allele origin: germline.

Labcorp Genetics (formerly Invitae), Labcorp
Classification: Uncertain significance. Last evaluated: 2022-04-10. Review status: criteria provided, single submitter. Criteria: Invitae Variant Classification Sherloc (09022015). Collection method: clinical testing. Allele origin: germline.
Comment: This sequence change replaces arginine, which is basic and polar, with histidine, which is basic and polar, at codon 3086 of the LRP2 protein (p.Arg3086His). This variant is present in population databases (rs141866144, gnomAD 0.02%). This variant has not been reported in the literature in individuals affected with LRP2-related conditions. Advanced modeling of protein sequence and biophysical properties (such as structural, functional, and spatial information, amino acid conservation, physicochemical variation, residue mobility, and thermodynamic stability) performed at Invitae indicates that this missense variant is not expected to disrupt LRP2 protein function. In summary, the available evidence is currently insufficient to determine the role of this variant in disease. Therefore, it has been classified as a Variant of Uncertain Significance.

Ambry Genetics
Classification: Likely benign for Inborn genetic diseases. Last evaluated: 2021-06-08. Review status: criteria provided, single submitter. Criteria: Ambry Variant Classification Scheme 2023. Collection method: clinical testing. Allele origin: germline.